The following is an entry in ClinVar:

NM_001387274.1(DCDC1):c.716C>T (p.Thr239Met)

Genes: DCDC1 (doublecortin domain containing 1; minus strand), LOC126861175 (CDK7 strongly-dependent group 2 enhancer GRCh37_chr11:31326823-31328022; plus strand). Cytogenetic location: 11p13.
Variant type: single nucleotide variant.
Coding change: c.716C>T on transcript NM_001387274.1 (MANE Select); coding-DNA position 716, C replaced by T.
Protein change: p.Thr239Met; replaces threonine 239 with methionine.
Molecular consequence: missense variant. On other transcripts: non-coding transcript variant (1).
Genome position (GRCh38, 1-based): chr11:31,305,653, G>A on the plus strand (C>T on the coding strand, the complement: DCDC1 is on the minus strand). VCF-style: chr11-31305653-G-A. GRCh37 (hg19) VCF-style: chr11-31327200-G-A.
Other names: c.716C>T, p.Thr239Met (NM_001367979.1, NM_181807.4); c.716C>T (NM_181807.3); short protein forms T239M.
Identifiers: ClinVar variation 2038236 (VCV002038236.5), dbSNP rs140758606, ClinGen allele CA5932558.

ClinVar aggregate classification (germline): Uncertain significance. Review status: criteria provided, multiple submitters, no conflicts (2 of 4 stars). 2 submissions from 2 submitters: Uncertain significance (2). Last evaluated 2025-09-21.

Allele frequency attached by ClinVar (database versions not stated): 1000 Genomes Project 30x 0.00016; 1000 Genomes Project 0.00020; ExAC 0.00023; ESP Exome Variant Server 0.00023; gnomAD 0.00030; TOPMed 0.00032.
gnomAD v4.1: 696 of 1,613,558 alleles (0.043%); highest among the groups gnomAD compares: Admixed American, 0.058%; no homozygotes.

Submissions (2):

Labcorp Genetics (formerly Invitae), Labcorp
Classification: Uncertain significance. Last evaluated: 2025-09-21. Review status: criteria provided, single submitter. Criteria: Invitae Variant Classification Sherloc (09022015). Collection method: clinical testing. Allele origin: germline.
Comment: This sequence change replaces threonine, which is neutral and polar, with methionine, which is neutral and non-polar, at codon 239 of the DCDC1 protein (p.Thr239Met). This variant is present in population databases (rs140758606, gnomAD 0.05%). This variant has not been reported in the literature in individuals affected with DCDC1-related conditions. ClinVar contains an entry for this variant (Variation ID: 2038236). An algorithm developed to predict the effect of missense changes on protein structure and function outputs the following: PolyPhen-2: "Benign". The methionine amino acid residue is found in multiple mammalian species, which suggests that this missense change does not adversely affect protein function. In summary, the available evidence is currently insufficient to determine the role of this variant in disease. Therefore, it has been classified as a Variant of Uncertain Significance.

Ambry Genetics
Classification: Uncertain significance. Last evaluated: 2023-12-21. Review status: criteria provided, single submitter. Criteria: Ambry Variant Classification Scheme 2023. Collection method: clinical testing. Allele origin: germline.